The following is an entry in ClinVar:

ClinVar aggregate classification (germline): Likely benign (1 of 4 stars; one submission).

Conditions:
CTSC-related disorder. Also called: CTSC-related condition; CTSC-related disorders. Identifiers: MedGen CN375926, MONDO:0800465.

gnomAD v4.1: 55 of 1,613,912 alleles (0.0034%); highest among the groups gnomAD compares: South Asian, 0.03%; no homozygotes.

Submission:

PreventionGenetics, part of Exact Sciences
Classification: Likely benign for CTSC-related condition. Last evaluated: 2025-12-22. Review status: criteria provided, single submitter. Criteria: ACMG Guidelines, 2015. Collection method: clinical testing. Allele origin: germline.
Comment: This variant is classified as likely benign based on ACMG/AMP sequence variant interpretation guidelines (Richards et al. 2015 PMID: 25741868, with internal and published modifications).

NM_001814.6(CTSC):c.318+8550G>A

Gene: CTSC (cathepsin C; minus strand). Cytogenetic location: 11q14.2.
Variant type: single nucleotide variant.
Coding change: c.318+8550G>A on transcript NM_001814.6 (MANE Select); 8550 bases into the intron after coding-DNA position 318, G replaced by A.
Molecular consequence: intron variant. On other transcripts: missense variant (1), 3 prime UTR variant (1).
Genome position (GRCh38, 1-based): chr11:88,326,387, C>T on the plus strand (G>A on the coding strand, the complement: CTSC is on the minus strand). VCF-style: chr11-88326387-C-T. GRCh37 (hg19) VCF-style: chr11-88059555-C-T.
Other names: c.416G>A, p.Arg139His (NM_001114173.3); c.*46G>A (NM_148170.5); short protein forms R139H.
Identifiers: ClinVar variation 4980329 (VCV004980329.1).